The following is an entry in ClinVar:

ClinVar aggregate classification (germline): Uncertain significance (1 of 4 stars; one submission).

Conditions:
Hereditary cancer-predisposing syndrome. Also called: Neoplastic Syndromes, Hereditary; Tumor predisposition; Hereditary Cancer Syndrome; Hereditary neoplastic syndrome. Identifiers: Orphanet 140162, MedGen C0027672, MeSH D009386, MONDO:0015356.

Submission:

Ambry Genetics
Classification: Uncertain significance for Hereditary cancer-predisposing syndrome. Last evaluated: 2021-09-10. Review status: criteria provided, single submitter. Criteria: Ambry Variant Classification Scheme 2023. Collection method: clinical testing. Allele origin: germline.
Comment: The p.P1369L variant (also known as c.4106C>T), located in coding exon 15 of the APC gene, results from a C to T substitution at nucleotide position 4106. The proline at codon 1369 is replaced by leucine, an amino acid with similar properties. This amino acid position is highly conserved in available vertebrate species. In addition, in silico predictors for this gene do not accurately predict pathogenicity. Since supporting evidence is limited at this time, the clinical significance of this alteration remains unclear.

NM_000038.6(APC):c.4106C>T (p.Pro1369Leu)

Gene: APC (APC regulator of Wnt signaling pathway; plus strand). Cytogenetic location: 5q22.2.
Variant type: single nucleotide variant.
Coding change: c.4106C>T on transcript NM_000038.6 (MANE Select); coding-DNA position 4106, C replaced by T.
Protein change: p.Pro1369Leu; replaces proline 1369 with leucine.
Molecular consequence: missense variant.
Genome position (GRCh38, 1-based): chr5:112,839,700, C>T. VCF-style: chr5-112839700-C-T. GRCh37 (hg19) VCF-style: chr5-112175397-C-T.
Other names: c.3983C>T, p.Pro1328Leu (NM_001354900.2); c.3929C>T, p.Pro1310Leu (NM_001354901.2, NM_001407453.1); c.3833C>T, p.Pro1278Leu (NM_001354902.2); c.3803C>T, p.Pro1268Leu (NM_001354903.2, NM_001407458.1, NM_001407459.1 and 1 more transcripts); c.3728C>T, p.Pro1243Leu (NM_001354904.2); c.3626C>T, p.Pro1209Leu (NM_001354905.2); c.3257C>T, p.Pro1086Leu (NM_001354906.2, NM_001407470.1); c.4190C>T, p.Pro1397Leu (NM_001407446.1); and 11 more; short protein forms P1328L, P1341L, P1351L, P1362L, P1286L, P1310L, P1387L, P1359L.
Identifiers: ClinVar variation 1737885 (VCV001737885.2), dbSNP rs2149906645, ClinGen allele CA16030325.
Genomic context (GRCh38, chr5:112,839,700, plus strand): 5'-ACAAAGCTGTTGAATTTTCTTCAGGAGCGAAATCTCCCTCCAAAAGTGGTGCTCAGACAC[C>T]CAAAAGTCCACCTGAACACTATGTTCAGGAGACCCCACTCATGTTTAGCAGATGTACTTC-3'
Protein context (NP_000029.2, residues 1359-1379): KSPSKSGAQT[Pro1369Leu]KSPPEHYVQE